The following is an entry in ClinVar:

ClinVar aggregate classification (germline): Likely pathogenic (1 of 4 stars; one submission).

Conditions:
Long QT syndrome (LQTS). Identifiers: MedGen C0023976, MeSH D008133, MONDO:0002442. Disease mechanism: loss of function. Inheritance: Various modes of inheritance.

Submission:

Labcorp Genetics (formerly Invitae), Labcorp
Classification: Likely pathogenic for Long QT syndrome. Last evaluated: 2022-07-13. Review status: criteria provided, single submitter. Criteria: Invitae Variant Classification Sherloc (09022015). Collection method: clinical testing. Allele origin: germline.
Comment: In summary, the currently available evidence indicates that the variant is pathogenic, but additional data are needed to prove that conclusively. Therefore, this variant has been classified as Likely Pathogenic. This variant is also known as c.(1514+1_1515-1)_ (1794+1_1795-1)dup. A similar copy number variant has been observed in individual(s) with clinical features of long QT syndrome (PMID: 31737537; Invitae). This variant results in a copy number gain of the genomic region encompassing exon(s) 12-15 of the KCNQ1 gene. While the exact position of this variant cannot be determined from the data, sub-genic copy number gains are generally in tandem (PMID: 25640679). This variant is predicted to be out-of-frame, and may result in an absent or disrupted protein product. Loss-of-function variants in KCNQ1 are known to be pathogenic (PMID: 9323054, 19862833).

Literature cited by the submitters: PubMed 31737537; PubMed 25640679; PubMed 9323054; PubMed 19862833.

NC_000011.9:g.(?_2790054)_(2799287_?)dup

Gene: KCNQ1 (potassium voltage-gated channel subfamily Q member 1; plus strand). Cytogenetic location: 11p15.5.
Variant type: Duplication.
Identifiers: ClinVar variation 2422599 (VCV002422599.5).